The following is an entry in ClinVar:

NM_144672.4(OTOA):c.1463C>A (p.Ala488Asp)

Gene: OTOA (otoancorin). Cytogenetic location: 16p12.2.
Variant type: single nucleotide variant.
Coding change: c.1463C>A on transcript NM_144672.4 (MANE Select); coding-DNA position 1463, C replaced by A.
Protein change: p.Ala488Asp; replaces alanine 488 with aspartic acid.
Molecular consequence: missense variant.
Genome position (GRCh38, 1-based): chr16:21,715,127, C>A. VCF-style: chr16-21715127-C-A. GRCh37 (hg19) VCF-style: chr16-21726448-C-A.
Other names: c.1226C>A, p.Ala409Asp (NM_001161683.2); c.491C>A, p.Ala164Asp (NM_170664.3); short protein forms A488D, A409D, A164D.
Identifiers: ClinVar variation 2833058 (VCV002833058.3), dbSNP rs1411476925, ClinGen allele CA395063325.

ClinVar aggregate classification (germline): Uncertain significance (1 of 4 stars; one submission).

Submission:

Labcorp Genetics (formerly Invitae), Labcorp
Classification: Uncertain significance. Last evaluated: 2023-09-29. Review status: criteria provided, single submitter. Criteria: Invitae Variant Classification Sherloc (09022015). Collection method: clinical testing. Allele origin: germline.
Comment: In summary, the available evidence is currently insufficient to determine the role of this variant in disease. Therefore, it has been classified as a Variant of Uncertain Significance. An algorithm developed to predict the effect of missense changes on protein structure and function (PolyPhen-2) suggests that this variant is likely to be disruptive. This variant has not been reported in the literature in individuals affected with OTOA-related conditions. This variant is not present in population databases (gnomAD no frequency). This sequence change replaces alanine, which is neutral and non-polar, with aspartic acid, which is acidic and polar, at codon 488 of the OTOA protein (p.Ala488Asp).